The following is an entry in ClinVar:

ClinVar aggregate classification (germline): Likely pathogenic (1 of 4 stars; one submission).

Submission:

Labcorp Genetics (formerly Invitae), Labcorp
Classification: Likely pathogenic. Last evaluated: 2024-03-03. Review status: criteria provided, single submitter. Criteria: Invitae Variant Classification Sherloc (09022015). Collection method: clinical testing. Allele origin: germline.
Comment: This sequence change affects a donor splice site in intron 11 of the USP9X gene. It is expected to disrupt RNA splicing. Variants that disrupt the donor or acceptor splice site typically lead to a loss of protein function (PMID: 16199547), and loss-of-function variants in USP9X are known to be pathogenic (PMID: 26833328, 28377321). This variant is not present in population databases (gnomAD no frequency). This variant has not been reported in the literature in individuals affected with USP9X-related conditions. Algorithms developed to predict the effect of sequence changes on RNA splicing suggest that this variant may disrupt the consensus splice site. In summary, the currently available evidence indicates that the variant is pathogenic, but additional data are needed to prove that conclusively. Therefore, this variant has been classified as Likely Pathogenic.

Literature cited by the submitters: PubMed 16199547; PubMed 26833328; PubMed 28377321.

NM_001039591.3(USP9X):c.1419+1G>A

Gene: USP9X (ubiquitin specific peptidase 9 X-linked; plus strand). Cytogenetic location: Xp11.4.
Variant type: single nucleotide variant.
Coding change: c.1419+1G>A on transcript NM_001039591.3 (MANE Select); the canonical splice donor site of the intron after coding-DNA position 1419, G replaced by A.
Molecular consequence: splice donor variant.
Genome position (GRCh38, 1-based): chrX:41,144,627, G>A. VCF-style: chrX-41144627-G-A. GRCh37 (hg19) VCF-style: chrX-41003880-G-A.
Other names: c.1419+1G>A (NM_001410748.1, NM_001410749.1, NM_001039590.3).
Identifiers: ClinVar variation 3644307 (VCV003644307.2).